The following is an entry in ClinVar:

ClinVar aggregate classification (germline): Pathogenic (1 of 4 stars; one submission).

Submission:

GeneDx
Classification: Pathogenic. Last evaluated: 2023-11-07. Review status: criteria provided, single submitter. Criteria: GeneDx Variant Classification Process June 2021. Collection method: clinical testing. Allele origin: germline. Affected: yes.
Comment: Frameshift variant predicted to result in protein truncation or nonsense mediated decay in a gene for which loss of function is a known mechanism of disease; Not observed at significant frequency in large population cohorts (gnomAD); Has not been previously published as pathogenic or benign to our knowledge

NM_133433.4(NIPBL):c.1805_1808del (p.Lys602fs)

Gene: NIPBL (NIPBL cohesin loading factor; plus strand). Cytogenetic location: 5p13.2.
Variant type: Deletion.
Coding change: c.1805_1808del on transcript NM_133433.4 (MANE Select); coding-DNA positions 1805 to 1808, 4 bases deleted (AAAA; older notation c.1805_1808delAAAA).
Protein change: p.Lys602fs; shifts the reading frame from lysine 602.
Molecular consequence: frameshift variant.
Genome position (GRCh38, 1-based): chr5:36,984,985-36,984,988, AAAA deleted; deleting any 4 consecutive bases within chr5:36,984,981-36,984,988 gives the same sequence; the c. name uses the placement nearest the transcript's 3' end. VCF-style (leftmost placement, unchanged base first): chr5-36984980-TAAAA-T. GRCh37 (hg19) VCF-style: chr5-36985082-TAAAA-T.
Other names: c.1805_1808del, p.Lys602fs (NM_015384.5); short protein forms K602fs.
Identifiers: ClinVar variation 3341056 (VCV003341056.1).